The following is an entry in ClinVar:

ClinVar aggregate classification (germline): Benign. Review status: criteria provided, multiple submitters, no conflicts (2 of 4 stars). 6 submissions from 6 submitters: Benign (6). Last evaluated 2026-02-03.

Conditions:
Knobloch syndrome (KNO). Also called: RETINAL DETACHMENT AND OCCIPITAL ENCEPHALOCELE; Myopia retinal detachment encephalocele. Identifiers: Orphanet 1571, MedGen C1849409, MONDO:0800166.

Allele frequency attached by ClinVar (database versions not stated): gnomAD exomes 0.00845 and 0.01415; 1000 Genomes Project 30x 0.02842; ExAC 0.02865; 1000 Genomes Project 0.03155; ESP Exome Variant Server 0.00347; gnomAD 0.00474 and 0.00696; TOPMed 0.00603.
gnomAD v4.1: 13,041 of 1,562,254 alleles (0.83%); highest among the groups gnomAD compares: East Asian, 8.6%; 275 homozygotes.

Submissions (6):

Labcorp Genetics (formerly Invitae), Labcorp
Classification: Benign. Last evaluated: 2026-02-03. Review status: criteria provided, single submitter. Criteria: Invitae Variant Classification Sherloc (09022015). Collection method: clinical testing. Allele origin: germline.

Athena Diagnostics
Classification: Benign. Last evaluated: 2024-02-12. Review status: criteria provided, single submitter. Criteria: Athena Diagnostics Criteria. Collection method: clinical testing. Allele origin: unknown.

GeneDx
Classification: Benign. Last evaluated: 2021-05-04. Review status: criteria provided, single submitter. Criteria: GeneDx Variant Classification Process June 2021. Collection method: clinical testing. Allele origin: germline. Affected: yes.

Illumina Laboratory Services, Illumina
Classification: Benign for Knobloch syndrome 1. Last evaluated: 2018-01-13. Review status: criteria provided, single submitter. Criteria: ICSL Variant Classification Criteria 13 December 2019. Collection method: clinical testing. Allele origin: germline.
Comment: This variant was observed in the ICSL laboratory as part of a predisposition screen in an ostensibly healthy population. It had not been previously curated by ICSL or reported in the Human Gene Mutation Database (HGMD: prior to June 1st, 2018), and was therefore a candidate for classification through an automated scoring system. Utilizing variant allele frequency, disease prevalence and penetrance estimates, and inheritance mode, an automated score was calculated to assess if this variant is too frequent to cause the disease. Based on the score and internal cut-off values, a variant classified as benign is not then subjected to further curation. The score for this variant resulted in a classification of benign for this disease.

Breakthrough Genomics
Classification: Benign. Review status: criteria provided, single submitter. Criteria: ACMG Guidelines, 2015. Collection method: not provided. Allele origin: germline. Inheritance: Autosomal recessive inheritance. Affected: yes.

PreventionGenetics, part of Exact Sciences
Classification: Benign. Review status: criteria provided, single submitter. Criteria: ACMG Guidelines, 2015. Collection method: clinical testing. Allele origin: germline.

NM_001379500.1(COL18A1):c.1143G>A (p.Ala381=)

Gene: COL18A1 (collagen type XVIII alpha 1 chain; plus strand). Cytogenetic location: 21q22.3.
Variant type: single nucleotide variant.
Coding change: c.1143G>A on transcript NM_001379500.1 (MANE Select); coding-DNA position 1143, G replaced by A.
Protein change: p.Ala381=; no amino-acid change (alanine 381 retained).
Molecular consequence: synonymous variant.
Genome position (GRCh38, 1-based): chr21:45,477,887, G>A. VCF-style: chr21-45477887-G-A. GRCh37 (hg19) VCF-style: chr21-46897801-G-A.
Other names: NM_130445.2:c.1143G>A; c.1683G>A, p.Ala561= (NM_030582.4); c.2388G>A, p.Ala796= (NM_130444.3).
Identifiers: ClinVar variation 261889 (VCV000261889.18), dbSNP rs2230689, ClinGen allele CA10066084.
Genomic context (GRCh38, chr21:45,477,887, plus strand): 5'-CCTACCTGGTCCCCCGGGTCTCCCGTGCCCAGTGAGTCCCCTGGGTCCTGCAGGCCCAGC[G>A]TTGCAAACTGTCCCCGGACCACAAGGACCCCCAGGGCCTCCGGGGAGGGACGGCACCCCT-3'
Protein context (NP_001366429.1, residues 371-391): PVSPLGPAGP[Ala381=]LQTVPGPQGP